The following is an entry in ClinVar:

ClinVar aggregate classification (germline): Pathogenic. Review status: reviewed by expert panel (3 of 4 stars). 8 submissions from 8 submitters: Pathogenic (1). 7 of the submissions do not count toward it. Last evaluated 2025-01-09.

Conditions:
Autosomal recessive limb-girdle muscular dystrophy. Identifiers: Orphanet 102015, MedGen C2931907, MONDO:0015152.
Autosomal recessive limb-girdle muscular dystrophy type 2A (LGMDR1). Also called: LEYDEN-MOEBIUS MUSCULAR DYSTROPHY; MUSCULAR DYSTROPHY, PELVOFEMORAL; Calpainopathy; Muscular dystrophy, limb-girdle, type 2A, Amish; Limb-girdle muscular dystrophy, type 2A. Identifiers: Orphanet 267, MedGen C1869123, MONDO:0009675, OMIM 253600. Disease mechanism: loss of function.
Muscular dystrophy, limb-girdle, autosomal dominant 4. Also called: MUSCULAR DYSTROPHY, LIMB-GIRDLE, TYPE 1I; Calpain-3-related limb-girdle muscular dystrophy D4. Identifiers: Orphanet 565909, MedGen C4748295, MONDO:0029133, OMIM 618129.

Allele frequency attached by ClinVar (database versions not stated): gnomAD exomes below 0.00001; ExAC 0.00001.
gnomAD v4.1: 1 of 1,613,978 alleles (0.000062%); highest among the groups gnomAD compares: Non-Finnish European, 0.000085%; no homozygotes.

Submissions (8):

ClinGen Limb Girdle Muscular Dystrophy Variant Curation Expert Panel, ClinGen
Classification: Pathogenic for Autosomal recessive limb-girdle muscular dystrophy. Last evaluated: 2025-01-09. Review status: reviewed by expert panel. Criteria: ClinGen LGMD VCEP ACMG Specifications CAPN3 V1.0.0. Collection method: curation. Allele origin: germline. Inheritance: Autosomal recessive inheritance.
Comment: The NM_000070.3: c.967G>T p.(Glu323Ter) variant in CAPN3, which is also known as p.(Glu323del), is a nonsense variant predicted to cause a premature stop codon in biologically relevant exon 7/24, leading to nonsense mediated decay in a gene in which loss of function is an established disease mechanism (PVS1). This variant has been detected in trans with a likely pathogenic or pathogenic variant in an individual with limb girdle muscular dystrophy (c.146G>A p.(Arg49His), 1.0 pt, PMID: 17318636) (PM3). At least one patient with this variant displayed progressive limb girdle muscle weakness or a clinical suspicion of LGMD (PMID: 17318636; PP4). The highest population minor allele frequency in gnomAD v2.1.1 is 0.000008802 (1/113610 exome alleles) in the European (non-Finnish) population, which is lower than the LGMD VCEP threshold (<0.0001) for PM2_Supporting, meeting this criterion (PM2_Supporting). In summary, this variant meets the criteria to be classified as Pathogenic for autosomal recessive limb girdle muscular dystrophy based on the ACMG/AMP criteria applied, as specified by the ClinGen LGMD VCEP (LGMD VCEP specifications version 1.0.0; 01/09/2025): PVS1, PM3, PP4, PM2_Supporting.

Revvity Omics, Revvity
Classification: Pathogenic. Last evaluated: 2024-10-15. Review status: criteria provided, single submitter. Criteria: ACMG Guidelines, 2015. Collection method: clinical testing. Allele origin: germline. Not counted in ClinVar's aggregate classification.

Laboratory of Medical Genetics, National & Kapodistrian University of Athens
Classification: Pathogenic for Autosomal recessive limb-girdle muscular dystrophy type 2A. Last evaluated: 2024-07-05. Review status: criteria provided, single submitter. Criteria: ACMG Guidelines, 2015. Collection method: clinical testing. Allele origin: germline. Affected: yes. Not counted in ClinVar's aggregate classification.
Comment: PVS1, PM2, PP5 -The variant is expected to result in an absent or disrupted protein product. It has been reported in ClinVar as Pathogenic by other laboratories (Variation ID: 620114). Low frequency in gnomAD population databases.

Fulgent Genetics
Classification: Pathogenic for Autosomal recessive limb-girdle muscular dystrophy type 2A; Muscular dystrophy, limb-girdle, autosomal dominant 4. Last evaluated: 2024-06-13. Review status: criteria provided, single submitter. Criteria: ACMG Guidelines, 2015. Collection method: clinical testing. Allele origin: germline. Not counted in ClinVar's aggregate classification.

Natera, Inc.
Classification: Pathogenic for Limb-girdle muscular dystrophy type 2A. Last evaluated: 2024-06-05. Review status: criteria provided, single submitter. Criteria: Natera Variant Classification Schema (03/2026). Collection method: clinical testing. Allele origin: germline. Not counted in ClinVar's aggregate classification.
Comment: The c.967G>T variant in CAPN3 is a nonsense variant predicted to introduce a stop codon at amino acid 323. This variant is expected to result in nonsense mediated decay, truncation, or a dysfunctional protein product. This variant is rare in the general population with a frequency below the threshold expected for the associated phenotype(s). This variant has been observed in one or more individuals affected with the associated recessive disease, as either homozygous or compound heterozygous with a second variant (PMID: 17318636). Given the available evidence, this variant is classified as Pathogenic.

Labcorp Genetics (formerly Invitae), Labcorp
Classification: Pathogenic for Autosomal recessive limb-girdle muscular dystrophy type 2A. Last evaluated: 2023-05-17. Review status: criteria provided, single submitter. Criteria: Invitae Variant Classification Sherloc (09022015). Collection method: clinical testing. Allele origin: germline. Not counted in ClinVar's aggregate classification.
Comment: For these reasons, this variant has been classified as Pathogenic. Algorithms developed to predict the effect of sequence changes on RNA splicing suggest that this variant may disrupt the consensus splice site. ClinVar contains an entry for this variant (Variation ID: 620114). This premature translational stop signal has been observed in individuals with limb-girdle muscular dystrophy (PMID: 15689361, 16001438). This variant is present in population databases (rs750443041, gnomAD 0.0009%). This sequence change creates a premature translational stop signal (p.Glu323*) in the CAPN3 gene. It is expected to result in an absent or disrupted protein product. Loss-of-function variants in CAPN3 are known to be pathogenic (PMID: 10330340, 15689361).

Baylor Genetics
Classification: Pathogenic for Muscular dystrophy, limb-girdle, autosomal dominant 4. Last evaluated: 2022-12-25. Review status: criteria provided, single submitter. Criteria: ACMG Guidelines, 2015. Collection method: clinical testing. Allele origin: unknown. Not counted in ClinVar's aggregate classification.

GeneDx
Classification: Pathogenic. Last evaluated: 2021-12-28. Review status: criteria provided, single submitter. Criteria: GeneDx Variant Classification Process June 2021. Collection method: clinical testing. Allele origin: germline. Affected: yes. Not counted in ClinVar's aggregate classification.
Comment: Nonsense variant predicted to result in protein truncation or nonsense mediated decay in a gene for which loss-of-function is a known mechanism of disease; Not observed at significant frequency in large population cohorts (gnomAD); This variant is associated with the following publications: (PMID: 25525159, 15689361, 17318636, 16001438, 15221789, 16141003)

Literature cited by the submitters: PubMed 17318636 (cited by Natera, Inc.); PubMed 15689361 (cited by Labcorp Genetics (formerly Invitae), Labcorp); PubMed 16001438 (cited by Labcorp Genetics (formerly Invitae), Labcorp); PubMed 10330340 (cited by Labcorp Genetics (formerly Invitae), Labcorp).

NM_000070.3(CAPN3):c.967G>T (p.Glu323Ter)

Gene: CAPN3 (calpain 3; plus strand). Cytogenetic location: 15q15.1.
Variant type: single nucleotide variant.
Coding change: c.967G>T on transcript NM_000070.3 (MANE Select); coding-DNA position 967, G replaced by T.
Protein change: p.Glu323Ter; replaces glutamic acid 323 with a stop codon.
Molecular consequence: nonsense.
Genome position (GRCh38, 1-based): chr15:42,392,660, G>T. VCF-style: chr15-42392660-G-T. GRCh37 (hg19) VCF-style: chr15-42684858-G-T.
Other names: NM_000070.3(CAPN3):c.967G>T; p.Glu323Ter; c.967G>T, p.Glu323Ter (NM_024344.2); c.823G>T, p.Glu275Ter (NM_173087.2); short protein forms E323*, E275*.
Identifiers: ClinVar variation 620114 (VCV000620114.18), dbSNP rs750443041, ClinGen allele CA7511203.